The following is an entry in ClinVar:

NM_000179.3(MSH6):c.1501C>G (p.His501Asp)

Gene: MSH6 (mutS homolog 6; plus strand). Cytogenetic location: 2p16.3.
Variant type: single nucleotide variant.
Coding change: c.1501C>G on transcript NM_000179.3 (MANE Select); coding-DNA position 1501, C replaced by G.
Protein change: p.His501Asp; replaces histidine 501 with aspartic acid.
Molecular consequence: missense variant.
Genome position (GRCh38, 1-based): chr2:47,799,484, C>G. VCF-style: chr2-47799484-C-G. GRCh37 (hg19) VCF-style: chr2-48026623-C-G.
Other names: c.1111C>G, p.His371Asp (NM_001281492.2); c.595C>G, p.His199Asp (NM_001281493.2, NM_001281494.2); short protein forms H199D, H371D, H501D.
Identifiers: ClinVar variation 1327069 (VCV001327069.1), dbSNP rs779411998, ClinGen allele CA346746211.

ClinVar aggregate classification (germline): Uncertain significance (1 of 4 stars; one submission).

Conditions:
Lynch syndrome 5 (LYNCH5). Also called: Colorectal cancer, hereditary nonpolyposis, type 5; Hereditary non-polyposis colorectal cancer, type 5. Identifiers: Orphanet 144, MedGen C1833477, MONDO:0013710, OMIM 614350. Disease mechanism: loss of function.

gnomAD v4.1: 1 of 1,614,144 alleles (0.000062%); highest among the groups gnomAD compares: Non-Finnish European, 0.000085%; no homozygotes.

Submission:

Baylor Genetics
Classification: Uncertain significance for Lynch syndrome 5. Last evaluated: 2021-07-27. Review status: criteria provided, single submitter. Criteria: ACMG Guidelines, 2015. Collection method: clinical testing. Allele origin: paternal. Affected: yes. Study: CSER-TexasKidsCanSeq.
Comment: This variant was determined to be of uncertain significance according to ACMG Guidelines, 2015 [PMID:25741868].